The following is an entry in ClinVar:

NM_002074.5(GNB1):c.266A>T (p.Lys89Met)

Gene: GNB1 (G protein subunit beta 1; minus strand). Cytogenetic location: 1p36.33.
Variant type: single nucleotide variant.
Coding change: c.266A>T on transcript NM_002074.5 (MANE Select); coding-DNA position 266, A replaced by T.
Protein change: p.Lys89Met; replaces lysine 89 with methionine.
Molecular consequence: missense variant. On other transcripts: 5 prime UTR variant (1).
Genome position (GRCh38, 1-based): chr1:1,806,476, T>A on the plus strand (A>T on the coding strand, the complement: GNB1 is on the minus strand). VCF-style: chr1-1806476-T-A. GRCh37 (hg19) VCF-style: chr1-1737915-T-A.
Other names: c.-35A>T (NM_001282538.2); c.266A>T, p.Lys89Met (NM_001282539.2); short protein forms K89M.
Identifiers: ClinVar variation 1360749 (VCV001360749.10), dbSNP rs1064795844, ClinGen allele CA337916155.

ClinVar aggregate classification (germline): Conflicting classifications of pathogenicity. Review status: criteria provided, conflicting classifications (1 of 4 stars). 3 submissions from 3 submitters: Likely pathogenic (2); Uncertain significance (1). Last evaluated 2026-04-29.

Conditions:
Intellectual developmental disorder, autosomal dominant 42. Also called: GNB1 Encephalopathy; Intellectual disability, autosomal dominant 42; Global developmental delay-neuro-ophthalmological abnormalities-seizures-intellectual disability syndrome. Identifiers: Orphanet 488613, MedGen C4310774, MONDO:0014855, OMIM 616973.

Submissions (3):

Victorian Clinical Genetics Services, Murdoch Childrens Research Institute
Classification: Likely pathogenic for Intellectual developmental disorder, autosomal dominant 42. Last evaluated: 2026-04-29. Review status: criteria provided, single submitter. Criteria: ACMG Guidelines, 2015. Collection method: clinical testing. Allele origin: germline. Affected: yes.
Comment: This variant is classified as Likely pathogenic. Evidence in support of pathogenic classification: Variant is absent from gnomAD (v2, v3 and v4); Other missense variants comparable to the one identified in this case have moderate previous evidence for pathogenicity. The p.(Lys89Arg) and p.(Lys89Glu) variants have each been classified once as likely pathogenic by clinical laboratories in ClinVar. Additionally, the p.(Lys89Arg) variant has been reported to be de novo in an individual presenting with GNB1-related features (PMID: 30194818); Variant is located in a hotspot region or cluster of PATHOGENIC variants (DECIPHER); Additional information: Variant is predicted to result in a missense amino acid change from Lys to Met; This variant is heterozygous; This gene is associated with autosomal dominant disease; Alternative amino acid change(s) at the same position are present in gnomAD (highest allele count: v4: 1 heterozygote(s), 0 homozygote(s)); Previous evidence of pathogenicity for this variant is inconclusive. This variant has been classified once as a VUS by a clinical laboratory in ClinVar; No published evidence of segregation with disease has been identified for this variant; No published functional evidence has been identified for this variant; Missense variant with inconclusive in silico prediction and/or uninformative conservation; Loss of function is a suggested mechanism of disease in this gene and is associated with intellectual development disorder, 42 (MIM#616973). However, a dominant-negative disease mechanism has not been excluded for missense variants (PMID: 28087732, 32918542); Variants in this gene are known to have variable expressivity. Phenotypes reported to have variability include epilepsy/seizures and brain abnormalities (PMID: 32918542).

3billion
Classification: Likely pathogenic for Intellectual developmental disorder, autosomal dominant 42. Last evaluated: 2025-08-06. Review status: criteria provided, single submitter. Criteria: ACMG Guidelines, 2015. Collection method: clinical testing. Allele origin: germline. Affected: yes.
Comment: The variant is not observed in the gnomAD v4.1.0 dataset. Predicted Consequence/Location: Missense variant. Missense changes are a common disease-causing mechanism. In silico tool predictions suggest damaging effect of the variant on gene or gene product [3Cnet: 0.93 (> 0.75, sensitivity 0.96 and precision 0.92)]. Different missense changes at the same codon (p.Lys89Arg, p.Lys89Glu) have been reported as pathogenic/likely pathogenic with strong evidence (ClinVar ID: VCV000422536, VCV003897833 /PMID: 30194818). Therefore, this variant is classified as Likely pathogenic according to the recommendation of ACMG/AMP guideline.

Labcorp Genetics (formerly Invitae), Labcorp
Classification: Uncertain significance. Last evaluated: 2024-08-13. Review status: criteria provided, single submitter. Criteria: Invitae Variant Classification Sherloc (09022015). Collection method: clinical testing. Allele origin: germline.
Comment: This sequence change replaces lysine, which is basic and polar, with methionine, which is neutral and non-polar, at codon 89 of the GNB1 protein (p.Lys89Met). This variant is not present in population databases (gnomAD no frequency). This variant has not been reported in the literature in individuals affected with GNB1-related conditions. ClinVar contains an entry for this variant (Variation ID: 1360749). An algorithm developed to predict the effect of missense changes on protein structure and function (PolyPhen-2) suggests that this variant is likely to be disruptive. Experimental studies have shown that this missense change affects GNB1 function (PMID: 28650474). In summary, the available evidence is currently insufficient to determine the role of this variant in disease. Therefore, it has been classified as a Variant of Uncertain Significance.

Literature cited by the submitters: PubMed 32918542 (cited by Victorian Clinical Genetics Services, Murdoch Childrens Research Institute); PubMed 30194818 (cited by Victorian Clinical Genetics Services, Murdoch Childrens Research Institute and 3billion); PubMed 28087732 (cited by Victorian Clinical Genetics Services, Murdoch Childrens Research Institute); PubMed 28650474 (cited by Labcorp Genetics (formerly Invitae), Labcorp).